The following is an entry in ClinVar:

NM_152703.5(SAMD9L):c.3601A>G (p.Ile1201Val)

Gene: SAMD9L (sterile alpha motif domain containing 9 like; minus strand). Cytogenetic location: 7q21.2.
Variant type: single nucleotide variant.
Coding change: c.3601A>G on transcript NM_152703.5 (MANE Select); coding-DNA position 3601, A replaced by G.
Protein change: p.Ile1201Val; replaces isoleucine 1201 with valine.
Molecular consequence: missense variant.
Genome position (GRCh38, 1-based): chr7:93,132,371, T>C on the plus strand (A>G on the coding strand, the complement: SAMD9L is on the minus strand). VCF-style: chr7-93132371-T-C. GRCh37 (hg19) VCF-style: chr7-92761684-T-C.
Other names: c.3601A>G, p.Ile1201Val (NM_001303496.3, NM_001303497.3, NM_001303498.3 and 5 more transcripts); short protein forms I1201V.
Identifiers: ClinVar variation 3950006 (VCV003950006.2).

ClinVar aggregate classification (germline): Uncertain significance. Review status: criteria provided, multiple submitters, no conflicts (2 of 4 stars). 2 submissions from 2 submitters: Uncertain significance (2). Last evaluated 2025-07-24.

Conditions:
Inborn genetic diseases. Identifiers: MedGen C0950123, MeSH D030342.

gnomAD v4.1: 3 of 1,613,922 alleles (0.00019%); highest among the groups gnomAD compares: Non-Finnish European, 0.00017%; no homozygotes.

Submissions (2):

Labcorp Genetics (formerly Invitae), Labcorp
Classification: Uncertain significance. Last evaluated: 2025-07-24. Review status: criteria provided, single submitter. Criteria: Invitae Variant Classification Sherloc (09022015). Collection method: clinical testing. Allele origin: germline.
Comment: This sequence change replaces isoleucine, which is neutral and non-polar, with valine, which is neutral and non-polar, at codon 1201 of the SAMD9L protein (p.Ile1201Val). This variant is present in population databases (rs750019362, gnomAD 0.0009%). This variant has not been reported in the literature in individuals affected with SAMD9L-related conditions. Invitae Evidence Modeling of protein sequence and biophysical properties (such as structural, functional, and spatial information, amino acid conservation, physicochemical variation, residue mobility, and thermodynamic stability) indicates that this missense variant is not expected to disrupt SAMD9L protein function with a negative predictive value of 80%. In summary, the available evidence is currently insufficient to determine the role of this variant in disease. Therefore, it has been classified as a Variant of Uncertain Significance.

Ambry Genetics
Classification: Uncertain significance for Inborn genetic diseases. Last evaluated: 2025-06-08. Review status: criteria provided, single submitter. Criteria: Ambry Variant Classification Scheme 2023. Collection method: clinical testing. Allele origin: germline.
Comment: The p.I1201V variant (also known as c.3601A>G), located in coding exon 1 of the SAMD9L gene, results from an A to G substitution at nucleotide position 3601. The isoleucine at codon 1201 is replaced by valine, an amino acid with highly similar properties. This amino acid position is conserved. In addition, this alteration is predicted to be tolerated by in silico analysis. Based on the available evidence, the clinical significance of this variant remains unclear.